The following is an entry in ClinVar:

NM_024408.4(NOTCH2):c.6460C>G (p.Leu2154Val)

Gene: NOTCH2 (notch receptor 2; minus strand). Cytogenetic location: 1p12.
Variant type: single nucleotide variant.
Coding change: c.6460C>G on transcript NM_024408.4 (MANE Select); coding-DNA position 6460, C replaced by G.
Protein change: p.Leu2154Val; replaces leucine 2154 with valine.
Molecular consequence: missense variant.
Genome position (GRCh38, 1-based): chr1:119,916,262, G>C on the plus strand (C>G on the coding strand, the complement: NOTCH2 is on the minus strand). VCF-style: chr1-119916262-G-C. GRCh37 (hg19) VCF-style: chr1-120458885-G-C.
Other names: short protein forms L2154V.
Identifiers: ClinVar variation 4982764 (VCV004982764.1).

ClinVar aggregate classification (germline): Uncertain significance (1 of 4 stars; one submission).

Conditions:
NOTCH2-related disorder. Also called: NOTCH2-related condition.

gnomAD v4.1: 6 of 1,614,088 alleles (0.00037%); highest among the groups gnomAD compares: Non-Finnish European, 0.00042%; no homozygotes.

Submission:

PreventionGenetics, part of Exact Sciences
Classification: Uncertain significance for NOTCH2-related condition. Last evaluated: 2026-03-11. Review status: criteria provided, single submitter. Criteria: ACMG Guidelines, 2015. Collection method: clinical testing. Allele origin: germline.
Comment: The NOTCH2 c.6460C>G variant is predicted to result in the amino acid substitution p.Leu2154Val. To our knowledge, this variant has not been reported in the literature or in a large population database (gnomAD), indicating this variant is rare. At this time, the clinical significance of this variant is uncertain due to the absence of conclusive functional and genetic evidence.